The following is an entry in ClinVar:

ClinVar aggregate classification (germline): Pathogenic (1 of 4 stars; one submission).

Conditions:
Duchenne muscular dystrophy (DMD). Also called: Duchenne Muscular Dystrophy (DMD); MUSCULAR DYSTROPHY, PSEUDOHYPERTROPHIC PROGRESSIVE, DUCHENNE TYPE. Identifiers: Orphanet 98896, MedGen C0013264, MONDO:0010679, OMIM 310200.

Submission:

Labcorp Genetics (formerly Invitae), Labcorp
Classification: Pathogenic for Duchenne muscular dystrophy. Last evaluated: 2023-10-13. Review status: criteria provided, single submitter. Criteria: Invitae Variant Classification Sherloc (09022015). Collection method: clinical testing. Allele origin: germline.
Comment: This sequence change falls in intron 28 of the DMD gene. It does not directly change the encoded amino acid sequence of the DMD protein. It affects a nucleotide within the consensus splice site. This variant is not present in population databases (gnomAD no frequency). This variant has been observed in individual(s) with clinical features of Becker muscular dystrophy (PMID: 19937601; Invitae). In at least one individual the variant was observed to be de novo. ClinVar contains an entry for this variant (Variation ID: 860135). Variants that disrupt the consensus splice site are a relatively common cause of aberrant splicing (PMID: 17576681, 9536098). Algorithms developed to predict the effect of sequence changes on RNA splicing suggest that this variant may disrupt the consensus splice site. For these reasons, this variant has been classified as Pathogenic.

Literature cited by the submitters: PubMed 19937601; PubMed 17576681; PubMed 9536098.

NM_004006.3(DMD):c.3921+1_3921+2dup

Gene: DMD (dystrophin; minus strand). Cytogenetic location: Xp21.1.
Variant type: Duplication.
Coding change: c.3921+1_3921+2dup on transcript NM_004006.3 (MANE Select); the canonical splice donor site of the intron after coding-DNA position 3921, 2 bases duplicated (GT; older notation c.3921+1_3921+2dupGT).
Molecular consequence: splice donor variant.
Genome position (GRCh38, 1-based): chrX:32,441,178-32,441,179, AC duplicated on the plus strand (GT on the coding strand, the reverse complement: DMD is on the minus strand); duplicating any 2 consecutive bases within chrX:32,441,178-32,441,180 gives the same sequence; the c. name uses the placement nearest the transcript's 3' end. VCF-style (leftmost placement, unchanged base first): chrX-32441177-T-TAC. GRCh37 (hg19) VCF-style: chrX-32459294-T-TAC.
Other names: c.3897+1_3897+2dup (NM_000109.4); c.3909+1_3909+2dup (NM_004009.3); c.3552+1_3552+2dup (NM_004010.3).
Identifiers: ClinVar variation 860135 (VCV000860135.10), dbSNP rs2098280263, ClinGen allele CA916081259.